The following is an entry in ClinVar:

ClinVar aggregate classification (germline): Uncertain significance (1 of 4 stars; one submission).

Submission:

Labcorp Genetics (formerly Invitae), Labcorp
Classification: Uncertain significance. Last evaluated: 2021-08-19. Review status: criteria provided, single submitter. Criteria: Invitae Variant Classification Sherloc (09022015). Collection method: clinical testing. Allele origin: germline.
Comment: In summary, the available evidence is currently insufficient to determine the role of this variant in disease. Therefore, it has been classified as a Variant of Uncertain Significance. Algorithms developed to predict the effect of missense changes on protein structure and function are either unavailable or do not agree on the potential impact of this missense change (SIFT: "Deleterious"; PolyPhen-2: "Benign"; Align-GVGD: "Class C15"). This variant has not been reported in the literature in individuals affected with CEP19-related conditions. This variant is not present in population databases (ExAC no frequency). This sequence change replaces glutamic acid with lysine at codon 147 of the CEP19 protein (p.Glu147Lys). The glutamic acid residue is highly conserved and there is a small physicochemical difference between glutamic acid and lysine.

NM_032898.5(CEP19):c.427G>A (p.Glu143Lys)

Gene: CEP19 (centrosomal protein 19; minus strand). Cytogenetic location: 3q29.
Variant type: single nucleotide variant.
Coding change: c.427G>A on transcript NM_032898.5 (MANE Select); coding-DNA position 427, G replaced by A.
Protein change: p.Glu143Lys; replaces glutamic acid 143 with lysine.
Molecular consequence: missense variant.
Genome position (GRCh38, 1-based): chr3:196,707,616, C>T on the plus strand (G>A on the coding strand, the complement: CEP19 is on the minus strand). VCF-style: chr3-196707616-C-T. GRCh37 (hg19) VCF-style: chr3-196434487-C-T.
Other names: c.322G>A, p.Glu108Lys (NM_001379468.1); c.427G>A, p.Glu143Lys (NM_001379469.1, NM_001379470.1); short protein forms E108K, E143K.
Identifiers: ClinVar variation 1375642 (VCV001375642.6), dbSNP rs2108662573, ClinGen allele CA355634031.